The following is an entry in ClinVar:

NM_005562.3(LAMC2):c.1211C>G (p.Ser404Ter)

Gene: LAMC2 (laminin subunit gamma 2; plus strand). Cytogenetic location: 1q25.3.
Variant type: single nucleotide variant.
Coding change: c.1211C>G on transcript NM_005562.3 (MANE Select); coding-DNA position 1211, C replaced by G.
Protein change: p.Ser404Ter; replaces serine 404 with a stop codon.
Molecular consequence: nonsense.
Genome position (GRCh38, 1-based): chr1:183,226,842, C>G. VCF-style: chr1-183226842-C-G. GRCh37 (hg19) VCF-style: chr1-183195977-C-G.
Other names: c.1211C>G, p.Ser404Ter (NM_018891.3); short protein forms S404*.
Identifiers: ClinVar variation 2710839 (VCV002710839.4), dbSNP rs749721573, ClinGen allele CA343686448.
Genomic context (GRCh38, chr1:183,226,842, plus strand): 5'-GTCCTGTTGGGTACAAGGGGCAATTCTGCCAGGATTGTGCTTCTGGCTACAAGAGAGATT[C>G]AGCGAGACTGGGGCCTTTTGGCACCTGTATTCCTTGTAACTGTCAAGGGGGAGGGGCCTG-3'

ClinVar aggregate classification (germline): Pathogenic/Likely pathogenic. Review status: criteria provided, multiple submitters, no conflicts (2 of 4 stars). 2 submissions from 2 submitters: Pathogenic (1); Likely pathogenic (1). Last evaluated 2024-01-22.

Conditions:
LAMC2-related disorder. Also called: LAMC2-related condition.

Submissions (2):

Labcorp Genetics (formerly Invitae), Labcorp
Classification: Pathogenic. Last evaluated: 2024-01-22. Review status: criteria provided, single submitter. Criteria: Invitae Variant Classification Sherloc (09022015). Collection method: clinical testing. Allele origin: germline.
Comment: This sequence change creates a premature translational stop signal (p.Ser404*) in the LAMC2 gene. It is expected to result in an absent or disrupted protein product. Loss-of-function variants in LAMC2 are known to be pathogenic (PMID: 11907499, 16473856). This variant is not present in population databases (gnomAD no frequency). This variant has not been reported in the literature in individuals affected with LAMC2-related conditions. For these reasons, this variant has been classified as Pathogenic.

Blueprint Genetics
Classification: Likely pathogenic for LAMC2-related disorders. Last evaluated: 2020-03-06. Review status: criteria provided, single submitter. Criteria: ACMG Guidelines, 2015. Collection method: clinical testing. Allele origin: germline. Affected: yes. Observed: 1 variant allele.

Literature cited by the submitters: PubMed 11907499 (cited by Labcorp Genetics (formerly Invitae), Labcorp); PubMed 16473856 (cited by Labcorp Genetics (formerly Invitae), Labcorp).